The following is an entry in ClinVar:

NM_006767.4(LZTR1):c.2174dup (p.Tyr726fs)

Gene: LZTR1 (leucine zipper like post translational regulator 1; plus strand). Cytogenetic location: 22q11.21.
Variant type: Duplication.
Coding change: c.2174dup on transcript NM_006767.4 (MANE Select); coding-DNA position 2174, one base duplicated (G; older notation c.2174dupG).
Protein change: p.Tyr726fs; shifts the reading frame from tyrosine 726.
Molecular consequence: frameshift variant.
Genome position (GRCh38, 1-based): chr22:20,996,067, G duplicated. VCF-style (leftmost placement, unchanged base first): chr22-20996066-C-CG. GRCh37 (hg19) VCF-style: chr22-21350355-C-CG.
Other names: c.2174dupG (NM_006767.3); short protein forms Y726fs.
Identifiers: ClinVar variation 2162073 (VCV002162073.5), dbSNP rs1453933519, ClinGen allele CA751568357.

ClinVar aggregate classification (germline): Pathogenic. Review status: criteria provided, multiple submitters, no conflicts (2 of 4 stars). 2 submissions from 2 submitters: Pathogenic (2). Last evaluated 2026-01-12.

Conditions:
Cardiovascular phenotype. Identifiers: MedGen CN230736.
Hereditary cancer-predisposing syndrome. Also called: Hereditary Cancer Syndrome; Neoplastic Syndromes, Hereditary; Tumor predisposition; Hereditary neoplastic syndrome. Identifiers: Orphanet 140162, MedGen C0027672, MeSH D009386, MONDO:0015356.

Allele frequency attached by ClinVar (database versions not stated): gnomAD 0.00001; TOPMed 0.00001.

Submissions (2):

Labcorp Genetics (formerly Invitae), Labcorp
Classification: Pathogenic. Last evaluated: 2026-01-12. Review status: criteria provided, single submitter. Criteria: Invitae Variant Classification Sherloc (09022015). Collection method: clinical testing. Allele origin: germline.
Comment: This sequence change creates a premature translational stop signal (p.Tyr726Leufs*56) in the LZTR1 gene. It is expected to result in an absent or disrupted protein product. Loss-of-function variants in LZTR1 are known to be pathogenic (PMID: 24362817, 25335493, 25480913, 25795793, 29469822, 30368668, 30442762, 30442766, 30481304, 30859559). This variant is not present in population databases (gnomAD no frequency). This variant has not been reported in the literature in individuals affected with LZTR1-related conditions. ClinVar contains an entry for this variant (Variation ID: 2162073). For these reasons, this variant has been classified as Pathogenic.

Ambry Genetics
Classification: Pathogenic for Cardiovascular phenotype; Hereditary cancer-predisposing syndrome. Last evaluated: 2023-03-23. Review status: criteria provided, single submitter. Criteria: Ambry Variant Classification Scheme 2023. Collection method: clinical testing. Allele origin: germline.
Comment: The c.2174dupG pathogenic mutation, located in coding exon 18 of the LZTR1 gene, results from a duplication of G at nucleotide position 2174, causing a translational frameshift with a predicted alternate stop codon (p.Y726Lfs*56). This alteration is expected to result in loss of function by premature protein truncation or nonsense-mediated mRNA decay. This variant is considered to be rare based on population cohorts in the Genome Aggregation Database (gnomAD). Loss-of-function variants in LZTR1 are related to an increased risk for schwannomas and autosomal recessive Noonan syndrome; however, such associations with autosomal dominant Noonan syndrome have not been observed (Piotrowski A et al. Nat Genet. 2014 Feb;46:182-7; Yamamoto GL et al. J Med Genet. 2015 Jun;52:413-21; Johnston JJ et al. Genet Med. 2018 10;20:1175-1185). Based on the supporting evidence, this variant is pathogenic for an increased risk of LZTR1-related schwannomatosis (SWN) and would be expected to cause autosomal recessive Noonan syndrome when present along with a second pathogenic or likely pathogenic variant on the other allele; however, the association of this alteration with autosomal dominant Noonan syndrome is unlikely.

Literature cited by the submitters: PubMed 24362817 (cited by Labcorp Genetics (formerly Invitae), Labcorp); PubMed 25335493 (cited by Labcorp Genetics (formerly Invitae), Labcorp); PubMed 25480913 (cited by Labcorp Genetics (formerly Invitae), Labcorp); PubMed 25795793 (cited by Labcorp Genetics (formerly Invitae), Labcorp); PubMed 29469822 (cited by Labcorp Genetics (formerly Invitae), Labcorp); PubMed 30368668 (cited by Labcorp Genetics (formerly Invitae), Labcorp); PubMed 30442762 (cited by Labcorp Genetics (formerly Invitae), Labcorp); PubMed 30442766 (cited by Labcorp Genetics (formerly Invitae), Labcorp); PubMed 30481304 (cited by Labcorp Genetics (formerly Invitae), Labcorp); PubMed 30859559 (cited by Labcorp Genetics (formerly Invitae), Labcorp).